The following is an entry in ClinVar:

GRCh38/hg38 1p32.1-31.3(chr1:59871038-62029355)x1

Genes: PATJ (PATJ crumbs cell polarity complex component; plus strand), PATJ-DT (PATJ divergent transcript; minus strand), TM2D1 (TM2 domain containing 1; minus strand), NFIA-AS1 (NFIA antisense RNA 1; minus strand), NFIA-AS2 (NFIA antisense RNA 2; minus strand) and 29 more. Cytogenetic location: 1p32.1-31.3.
Variant type: copy number loss.
Change: copy number 1 (one copy instead of two) of chr1:59,871,038-62,029,355 (2.16 Mb, GRCh38 coordinates, 1-based), cytogenetic band 1p32.1-31.3.
Identifiers: ClinVar variation 59358 (VCV000059358.1).

ClinVar aggregate classification (germline): no classifications from unflagged records (0 of 4 stars; one submission).

Submission:

ISCA site 4
Classification: Uncertain significance. Last evaluated: 2011-08-12. Review status: flagged submission. Criteria: Kaminsky et al. (Genet Med. 2011). Collection method: clinical testing. Allele origin: unknown. Affected: yes. Observed: 1 variant allele.
Comment: Copy number variation identified through the course of routine clinical cytogenomic testing in postnatal populations. Clinical assertions have been curated as described in Kaminsky et al. 2011.
ClinVar note: Notes: This submission was flagged because its interpretation of this variant conflicts with the ClinGen Gene Dosage Map curation for the gene NFIA.
ClinVar note: Reason: Conflict with ClinGen Gene Dosage Map